The following is an entry in ClinVar:

NM_024063.3(AFG2B):c.1556C>A (p.Ala519Asp)

Gene: AFG2B (AAA ATPase AFG2B; plus strand). Cytogenetic location: 15q21.1.
Variant type: single nucleotide variant.
Coding change: c.1556C>A on transcript NM_024063.3 (MANE Select); coding-DNA position 1556, C replaced by A.
Protein change: p.Ala519Asp; replaces alanine 519 with aspartic acid.
Molecular consequence: missense variant. On other transcripts: non-coding transcript variant (5).
Genome position (GRCh38, 1-based): chr15:45,414,692, C>A. VCF-style: chr15-45414692-C-A. GRCh37 (hg19) VCF-style: chr15-45706890-C-A.
Other names: c.1556C>A, p.Ala519Asp (NM_001323640.2); short protein forms A519D.
Identifiers: ClinVar variation 976743 (VCV000976743.4), dbSNP rs757503048, ClinGen allele CA392269035.

ClinVar aggregate classification (germline): Conflicting classifications of pathogenicity. Review status: criteria provided, conflicting classifications (1 of 4 stars). 2 submissions from 2 submitters: Likely pathogenic (1); Uncertain significance (1). Last evaluated 2022-05-30.

Conditions:
Neurodevelopmental disorder with hearing loss and spasticity. Identifiers: Orphanet 659975, MedGen C5562024, MONDO:0859206, OMIM 619616.
SPATA5L1-associated disorder.

Submissions (2):

MGZ Medical Genetics Center
Classification: Uncertain significance for Neurodevelopmental disorder with hearing loss and spasticity. Last evaluated: 2022-05-30. Review status: criteria provided, single submitter. Criteria: ACMG Guidelines, 2015. Collection method: clinical testing. Allele origin: germline. Affected: yes. Observed: 1 variant allele.
Comment: ACMG criteria applied: PM3, PM2_SUP, PP3

Institute of Human Genetics Munich, TUM University Hospital
Classification: Likely pathogenic for SPATA5L1-associated disorder. Last evaluated: 2020-07-16. Review status: criteria provided, single submitter. Criteria: Classification criteria August 2017. Collection method: clinical testing. Allele origin: inherited. Inheritance: Autosomal recessive inheritance. Affected: yes. Observed: 1 homozygote.